The following is an entry in ClinVar:

ClinVar aggregate classification (germline): Uncertain significance (1 of 4 stars; one submission).

Allele frequency attached by ClinVar (database versions not stated): ExAC 0.00002; TOPMed 0.00002; gnomAD 0.00004.
gnomAD v4.1: 315 of 1,613,126 alleles (0.02%); highest among the groups gnomAD compares: Non-Finnish European, 0.026%; no homozygotes.

Submission:

Ambry Genetics
Classification: Uncertain significance. Last evaluated: 2026-05-27. Review status: criteria provided, single submitter. Criteria: Ambry Variant Classification Scheme 2023. Collection method: clinical testing. Allele origin: germline.
Comment: The c.7666G>C (p.A2556P) alteration is located in exon 48 (coding exon 48) of the ZZEF1 gene. This alteration results from a G to C substitution at nucleotide position 7666, causing the alanine (A) at amino acid position 2556 to be replaced by a proline (P). Based on data from gnomAD, the C allele has an overall frequency of 0.005% (13/280282) total alleles studied. The highest observed frequency was 0.009% (12/127300) of European (non-Finnish) alleles. Based on insufficient or conflicting evidence, the clinical significance of this alteration remains unclear.

NM_015113.4(ZZEF1):c.7666G>C (p.Ala2556Pro)

Gene: ZZEF1 (zinc finger ZZ-type and EF-hand domain containing 1; minus strand). Cytogenetic location: 17p13.2.
Variant type: single nucleotide variant.
Coding change: c.7666G>C on transcript NM_015113.4 (MANE Select); coding-DNA position 7666, G replaced by C.
Protein change: p.Ala2556Pro; replaces alanine 2556 with proline.
Molecular consequence: missense variant.
Genome position (GRCh38, 1-based): chr17:4,017,706, C>G on the plus strand (G>C on the coding strand, the complement: ZZEF1 is on the minus strand). VCF-style: chr17-4017706-C-G. GRCh37 (hg19) VCF-style: chr17-3921000-C-G.
Other names: short protein forms A2556P.
Identifiers: ClinVar variation 2358831 (VCV002358831.3), dbSNP rs760346406, ClinGen allele CA8298167.